The following is an entry in ClinVar:

ClinVar aggregate classification (germline): Uncertain significance. Review status: criteria provided, multiple submitters, no conflicts (2 of 4 stars). 2 submissions from 2 submitters: Uncertain significance (2). Last evaluated 2026-06-15.

Conditions:
FG syndrome (FGS). Identifiers: MedGen C0220769, MONDO:0002010.
Familial thoracic aortic aneurysm and aortic dissection (TAAD). Also called: Thoracic aortic aneurysms and dissections. Identifiers: Orphanet 91387, MedGen C4707243, MONDO:0019625.

Allele frequency attached by ClinVar (database versions not stated): gnomAD 0.00001; gnomAD exomes 0.00001.
gnomAD v4.1: 4 of 1,208,303 alleles (0.00033%); highest among the groups gnomAD compares: East Asian, 0.003%; no homozygotes.

Submissions (2):

Ambry Genetics
Classification: Uncertain significance for Familial thoracic aortic aneurysm and aortic dissection. Last evaluated: 2026-06-15. Review status: criteria provided, single submitter. Criteria: Ambry Variant Classification Scheme 2023. Collection method: clinical testing. Allele origin: germline.
Comment: The p.A1137T variant (also known as c.3409G>A), located in coding exon 24 of the MED12 gene, results from a G to A substitution at nucleotide position 3409. The alanine at codon 1137 is replaced by threonine, an amino acid with similar properties. This amino acid position is conserved. In addition, the in silico prediction for this alteration is inconclusive. Based on the available evidence, the clinical significance of this variant remains unclear.

Labcorp Genetics (formerly Invitae), Labcorp
Classification: Uncertain significance for FG syndrome. Last evaluated: 2024-03-18. Review status: criteria provided, single submitter. Criteria: Invitae Variant Classification Sherloc (09022015). Collection method: clinical testing. Allele origin: germline.
Comment: This sequence change replaces alanine, which is neutral and non-polar, with threonine, which is neutral and polar, at codon 1137 of the MED12 protein (p.Ala1137Thr). This variant is present in population databases (no rsID available, gnomAD 0.006%). This variant has not been reported in the literature in individuals affected with MED12-related conditions. ClinVar contains an entry for this variant (Variation ID: 999930). Advanced modeling of protein sequence and biophysical properties (such as structural, functional, and spatial information, amino acid conservation, physicochemical variation, residue mobility, and thermodynamic stability) performed at Invitae indicates that this missense variant is expected to disrupt MED12 protein function with a positive predictive value of 95%. In summary, the available evidence is currently insufficient to determine the role of this variant in disease. Therefore, it has been classified as a Variant of Uncertain Significance.

NM_005120.3(MED12):c.3409G>A (p.Ala1137Thr)

Gene: MED12 (mediator complex subunit 12; plus strand). Cytogenetic location: Xq13.1.
Variant type: single nucleotide variant.
Coding change: c.3409G>A on transcript NM_005120.3 (MANE Select); coding-DNA position 3409, G replaced by A.
Protein change: p.Ala1137Thr; replaces alanine 1137 with threonine.
Molecular consequence: missense variant.
Genome position (GRCh38, 1-based): chrX:71,128,652, G>A. VCF-style: chrX-71128652-G-A. GRCh37 (hg19) VCF-style: chrX-70348502-G-A.
Other names: c.3409G>A (NM_005120.2); short protein forms A1137T.
Identifiers: ClinVar variation 999930 (VCV000999930.10), dbSNP rs1317457286, ClinGen allele CA413519166.